The following is an entry in ClinVar:

ClinVar aggregate classification (germline): Conflicting classifications of pathogenicity. Review status: criteria provided, conflicting classifications (1 of 4 stars). 2 submissions from 2 submitters: Uncertain significance (1); Likely benign (1). Last evaluated 2025-12-17.

Conditions:
Hereditary cancer-predisposing syndrome. Also called: Tumor predisposition; Hereditary neoplastic syndrome; Hereditary Cancer Syndrome; Neoplastic Syndromes, Hereditary. Identifiers: Orphanet 140162, MedGen C0027672, MeSH D009386, MONDO:0015356.
Neuroblastoma, susceptibility to, 3. Also called: ALK-Related Neuroblastic Tumor Susceptibility. Identifiers: Orphanet 635, MedGen C2751681, MONDO:0013083, OMIM 613014.

Submissions (2):

Ambry Genetics
Classification: Likely benign for Hereditary cancer-predisposing syndrome. Last evaluated: 2025-12-17. Review status: criteria provided, single submitter. Criteria: Ambry Variant Classification Scheme 2023. Collection method: clinical testing. Allele origin: germline.

Labcorp Genetics (formerly Invitae), Labcorp
Classification: Uncertain significance for Neuroblastoma, susceptibility to, 3. Last evaluated: 2023-01-14. Review status: criteria provided, single submitter. Criteria: Invitae Variant Classification Sherloc (09022015). Collection method: clinical testing. Allele origin: germline.
Comment: This sequence change creates a premature translational stop signal (p.Cys480*) in the ALK gene. It is expected to result in an absent or disrupted protein product. However, the current clinical and genetic evidence is not sufficient to establish whether loss-of-function variants in ALK cause disease. This variant is not present in population databases (gnomAD no frequency). This variant has not been reported in the literature in individuals affected with ALK-related conditions. ClinVar contains an entry for this variant (Variation ID: 956589). In summary, the available evidence is currently insufficient to determine the role of this variant in disease. Therefore, it has been classified as a Variant of Uncertain Significance.

NM_004304.5(ALK):c.1440C>A (p.Cys480Ter)

Gene: ALK (ALK receptor tyrosine kinase; minus strand). Cytogenetic location: 2p23.2.
Variant type: single nucleotide variant.
Coding change: c.1440C>A on transcript NM_004304.5 (MANE Select); coding-DNA position 1440, C replaced by A.
Protein change: p.Cys480Ter; replaces cysteine 480 with a stop codon.
Molecular consequence: nonsense.
Genome position (GRCh38, 1-based): chr2:29,320,857, G>T on the plus strand (C>A on the coding strand, the complement: ALK is on the minus strand). VCF-style: chr2-29320857-G-T. GRCh37 (hg19) VCF-style: chr2-29543723-G-T.
Other names: short protein forms C480*.
Identifiers: ClinVar variation 956589 (VCV000956589.8), dbSNP rs1667016608, ClinGen allele CA346472655.